The following is an entry in ClinVar:

ClinVar aggregate classification (germline): Uncertain significance (1 of 4 stars; one submission).

Submission:

GeneDx
Classification: Uncertain significance. Last evaluated: 2024-07-08. Review status: criteria provided, single submitter. Criteria: GeneDx Variant Classification Process June 2021. Collection method: clinical testing. Allele origin: germline. Affected: yes.
Comment: Not observed at significant frequency in large population cohorts (gnomAD); In silico analysis indicates that this variant does not alter splicing; Has not been previously published as pathogenic or benign to our knowledge

NM_000218.3(KCNQ1):c.1411C>T (p.Leu471=)

Genes: KCNQ1 (potassium voltage-gated channel subfamily Q member 1; plus strand), KCNQ1OT1 (KCNQ1 opposite strand/antisense transcript 1; minus strand). Cytogenetic location: 11p15.5.
Variant type: single nucleotide variant.
Coding change: c.1411C>T on transcript NM_000218.3 (MANE Select); coding-DNA position 1411, C replaced by T.
Protein change: p.Leu471=; no amino-acid change (leucine 471 retained).
Molecular consequence: synonymous variant. On other transcripts: non-coding transcript variant (1).
Genome position (GRCh38, 1-based): chr11:2,661,978, C>T. VCF-style: chr11-2661978-C-T. GRCh37 (hg19) VCF-style: chr11-2683208-C-T.
Other names: c.1315C>T, p.Leu439= (NM_001406836.1); c.1141C>T, p.Leu381= (NM_001406837.1); c.871C>T, p.Leu291= (NM_001406838.1); c.1030C>T, p.Leu344= (NM_181798.2).
Identifiers: ClinVar variation 3572568 (VCV003572568.1).
Genomic context (GRCh38, chr11:2,661,978, plus strand): 5'-TGGGTGGGAGGCCTAACGTGCTGTCCCCACACTTTCTCCTCAGTAAGGAAGAGCCCAACA[C>T]TGCTGGAAGTGAGCATGCCCCATTTCATGAGAACCAACAGCTTCGCCGAGGACCTGGACC-3'
Protein context (NP_000209.2, residues 461-481): YDSSVRKSPT[Leu471=]LEVSMPHFMR